The following is an entry in ClinVar:

NM_001267550.2(TTN):c.92498del (p.Thr30833fs)

Genes: TTN-AS1 (TTN antisense RNA 1; plus strand), TTN (titin; minus strand). Cytogenetic location: 2q31.2.
Variant type: Deletion.
Coding change: c.92498del on transcript NM_001267550.2 (MANE Select); coding-DNA position 92498, one base deleted (C; older notation c.92498delC).
Protein change: p.Thr30833fs; shifts the reading frame from threonine 30833.
Molecular consequence: frameshift variant.
Genome position (GRCh38, 1-based): chr2:178,549,128, G deleted on the plus strand (C on the coding strand, the reverse complement: TTN is on the minus strand). VCF-style (leftmost placement, unchanged base first): chr2-178549127-TG-T. GRCh37 (hg19) VCF-style: chr2-179413854-TG-T.
Other names: c.87575del, p.Thr29192fs (NM_001256850.1); c.65303del, p.Thr21768fs (NM_003319.4); c.84794del, p.Thr28265fs (NM_133378.4); c.65678del, p.Thr21893fs (NM_133432.3); c.65879del, p.Thr21960fs (NM_133437.4); short protein forms T21960fs, T21768fs, T21893fs, T28265fs, T30833fs, T29192fs.
Identifiers: ClinVar variation 1489576 (VCV001489576.6), dbSNP rs2154147918, ClinGen allele CA2573134145.

ClinVar aggregate classification (germline): Likely pathogenic (1 of 4 stars; one submission).

Conditions:
Dilated cardiomyopathy 1G (CMD1G). Identifiers: Orphanet 154, MedGen C1858763, MONDO:0011400, OMIM 604145.
Autosomal recessive limb-girdle muscular dystrophy type 2J (LGMDR10). Also called: Limb-girdle muscular dystrophy, type 2J; MUSCULAR DYSTROPHY, LIMB-GIRDLE, AUTOSOMAL RECESSIVE 10. Identifiers: Orphanet 140922, MedGen C1837342, MONDO:0012127, OMIM 608807.

Submission:

Labcorp Genetics (formerly Invitae), Labcorp
Classification: Likely pathogenic for Dilated cardiomyopathy 1G; Autosomal recessive limb-girdle muscular dystrophy type 2J. Last evaluated: 2022-06-09. Review status: criteria provided, single submitter. Criteria: Invitae Variant Classification Sherloc (09022015). Collection method: clinical testing. Allele origin: germline.
Comment: This sequence change creates a premature translational stop signal (p.Thr30833Asnfs*6) in the TTN gene. While this is not anticipated to result in nonsense mediated decay, it is expected to create a truncated TTN protein. In summary, the currently available evidence indicates that the variant is pathogenic, but additional data are needed to prove that conclusively. Therefore, this variant has been classified as Likely Pathogenic. This variant is located in the A band of TTN (PMID: 25589632). Truncating variants in this region are significantly overrepresented in patients affected with dilated cardiomyopathy (PMID: 25589632). Truncating variants in this region have also been reported in individuals affected with autosomal recessive centronuclear myopathy (PMID: 23975875). This variant has not been reported in the literature in individuals affected with TTN-related conditions. This variant is not present in population databases (gnomAD no frequency).

Literature cited by the submitters: PubMed 25589632; PubMed 23975875.